The following is an entry in ClinVar:

ClinVar aggregate classification (germline): Uncertain significance (1 of 4 stars; one submission).

Conditions:
Epileptic encephalopathy. Identifiers: MedGen C0543888, HP:0200134.

Allele frequency attached by ClinVar (database versions not stated): gnomAD exomes below 0.00001 and 0.00001; ExAC 0.00001; gnomAD 0.00001; TOPMed 0.00003; ESP Exome Variant Server 0.00008.
gnomAD v4.1: 12 of 1,613,704 alleles (0.00074%); highest among the groups gnomAD compares: Non-Finnish European, 0.00085%; no homozygotes.

Submission:

Labcorp Genetics (formerly Invitae), Labcorp
Classification: Uncertain significance for Epileptic encephalopathy. Last evaluated: 2022-01-14. Review status: criteria provided, single submitter. Criteria: Invitae Variant Classification Sherloc (09022015). Collection method: clinical testing. Allele origin: germline.
Comment: In summary, the available evidence is currently insufficient to determine the role of this variant in disease. Therefore, it has been classified as a Variant of Uncertain Significance. Algorithms developed to predict the effect of missense changes on protein structure and function are either unavailable or do not agree on the potential impact of this missense change (SIFT: "Deleterious"; PolyPhen-2: "Benign"; Align-GVGD: "Class C55"). ClinVar contains an entry for this variant (Variation ID: 651660). This variant has not been reported in the literature in individuals affected with RYR3-related conditions. This variant is present in population databases (rs374585350, gnomAD 0.007%). This sequence change replaces serine, which is neutral and polar, with glycine, which is neutral and non-polar, at codon 1356 of the RYR3 protein (p.Ser1356Gly).

NM_001036.6(RYR3):c.4066A>G (p.Ser1356Gly)

Gene: RYR3 (ryanodine receptor 3; plus strand). Cytogenetic location: 15q14.
Variant type: single nucleotide variant.
Coding change: c.4066A>G on transcript NM_001036.6 (MANE Select); coding-DNA position 4066, A replaced by G.
Protein change: p.Ser1356Gly; replaces serine 1356 with glycine.
Molecular consequence: missense variant.
Genome position (GRCh38, 1-based): chr15:33,649,159, A>G. VCF-style: chr15-33649159-A-G. GRCh37 (hg19) VCF-style: chr15-33941360-A-G.
Other names: c.4066A>G, p.Ser1356Gly (NM_001243996.4); short protein forms S1356G.
Identifiers: ClinVar variation 651660 (VCV000651660.8), dbSNP rs374585350, ClinGen allele CA7458880.